The following is an entry in ClinVar:

NM_032578.4(MYPN):c.3598C>A (p.Pro1200Thr)

Gene: MYPN (myopalladin; plus strand). Cytogenetic location: 10q21.3.
Variant type: single nucleotide variant.
Coding change: c.3598C>A on transcript NM_032578.4 (MANE Select); coding-DNA position 3598, C replaced by A.
Protein change: p.Pro1200Thr; replaces proline 1200 with threonine.
Molecular consequence: missense variant. On other transcripts: non-coding transcript variant (2).
Genome position (GRCh38, 1-based): chr10:68,201,933, C>A. VCF-style: chr10-68201933-C-A. GRCh37 (hg19) VCF-style: chr10-69961690-C-A.
Other names: c.3598C>A, p.Pro1200Thr (NM_001256267.2); c.2716C>A, p.Pro906Thr (NM_001256268.2); short protein forms P1200T, P906T.
Identifiers: ClinVar variation 1488294 (VCV001488294.8), dbSNP rs2134311541, ClinGen allele CA376860175.

ClinVar aggregate classification (germline): Uncertain significance (1 of 4 stars; one submission).

Conditions:
Dilated cardiomyopathy 1KK (CMD1KK). Identifiers: Orphanet 154, Orphanet 75249, MedGen C3714995, MONDO:0014100, OMIM 615248.

Submission:

Labcorp Genetics (formerly Invitae), Labcorp
Classification: Uncertain significance for Dilated cardiomyopathy 1KK. Last evaluated: 2022-06-20. Review status: criteria provided, single submitter. Criteria: Invitae Variant Classification Sherloc (09022015). Collection method: clinical testing. Allele origin: germline.
Comment: This sequence change replaces proline, which is neutral and non-polar, with threonine, which is neutral and polar, at codon 1200 of the MYPN protein (p.Pro1200Thr). This variant is not present in population databases (gnomAD no frequency). This variant has not been reported in the literature in individuals affected with MYPN-related conditions. Algorithms developed to predict the effect of missense changes on protein structure and function are either unavailable or do not agree on the potential impact of this missense change (SIFT: "Tolerated"; PolyPhen-2: "Probably Damaging"; Align-GVGD: "Class C0"). In summary, the available evidence is currently insufficient to determine the role of this variant in disease. Therefore, it has been classified as a Variant of Uncertain Significance.